The following is an entry in ClinVar:

ClinVar aggregate classification (germline): Pathogenic. Review status: criteria provided, multiple submitters, no conflicts (2 of 4 stars). 4 submissions from 4 submitters: Pathogenic (3). 1 of the submissions does not count toward it. Last evaluated 2025-06-01.

Conditions:
Hereditary cancer-predisposing syndrome. Also called: Hereditary neoplastic syndrome; Hereditary Cancer Syndrome; Tumor predisposition; Neoplastic Syndromes, Hereditary. Identifiers: Orphanet 140162, MedGen C0027672, MeSH D009386, MONDO:0015356.
Familial adenomatous polyposis 1 (FAP1). Also called: FAMILIAL ADENOMATOUS POLYPOSIS 1, ATTENUATED; POLYPOSIS, ADENOMATOUS INTESTINAL. Identifiers: MedGen C2713442, MONDO:0021056, OMIM 175100. Disease mechanism: loss of function.
Carcinoma of colon (CRC). Also called: Colon carcinoma; Colonic carcinoma. Identifiers: MedGen C0699790, MONDO:0002032.

Submissions (4):

Labcorp Genetics (formerly Invitae), Labcorp
Classification: Pathogenic for Familial adenomatous polyposis 1. Last evaluated: 2025-06-01. Review status: criteria provided, single submitter. Criteria: Invitae Variant Classification Sherloc (09022015). Collection method: clinical testing. Allele origin: germline.
Comment: This sequence change creates a premature translational stop signal (p.Trp553Glyfs*5) in the APC gene. It is expected to result in an absent or disrupted protein product. Loss-of-function variants in APC are known to be pathogenic (PMID: 17963004, 20685668). This variant is not present in population databases (gnomAD no frequency). This variant has not been reported in the literature in individuals affected with APC-related conditions. ClinVar contains an entry for this variant (Variation ID: 428155). For these reasons, this variant has been classified as Pathogenic.

Ambry Genetics
Classification: Pathogenic for Hereditary cancer-predisposing syndrome. Last evaluated: 2023-06-28. Review status: criteria provided, single submitter. Criteria: Ambry Variant Classification Scheme 2023. Collection method: clinical testing. Allele origin: germline.
Comment: The c.1657delT pathogenic mutation, located in coding exon 13 of the APC gene, results from a deletion of one nucleotide at nucleotide position 1657, causing a translational frameshift with a predicted alternate stop codon (p.W553Gfs*5). In addition to the clinical data presented in the literature, this alteration is expected to result in loss of function by premature protein truncation or nonsense-mediated mRNA decay. As such, this alteration is interpreted as a disease-causing mutation.

Myriad Genetics, Inc.
Classification: Pathogenic for Familial adenomatous polyposis 1. Last evaluated: 2023-05-02. Review status: criteria provided, single submitter. Criteria: Myriad Autosomal Dominant, Autosomal Recessive and X-Linked Classification Criteria (2023). Collection method: clinical testing. Allele origin: unknown.
Comment: This variant is considered pathogenic. This variant creates a frameshift predicted to result in premature protein truncation.

Department of Pathology and Laboratory Medicine, Sinai Health System
Classification: Pathogenic for Carcinoma of colon. Review status: no assertion criteria provided. Collection method: clinical testing. Allele origin: unknown. Affected: yes. Study: The Canadian Open Genetics Repository (COGR). Not counted in ClinVar's aggregate classification.
Comment: The p.Trp553GlyfsX5 variant was not identified in the literature nor was it identified in dbSNP, Clinvitae database, COSMIC, InSiGHT Colon Cancer Gene Variant Database (LOVD), Zhejiang Colon Cancer Database (LOVD), ClinVar database, GeneInsight - COGR database. It was identified in UMD (2x as causal). The variant was not identified in control databases; NHLBI Exome Sequencing Project (Exome Variant Server), Exome Aggregation Consortium (ExAC). The c.1657delT variant is predicted to cause a frameshift, which alters the protein's amino acid sequence beginning at codon 553 and leads to a premature stop codon 5 codons downstream. This alteration is then predicted to result in a truncated or absent protein and loss of function. Loss of function variants of the APC gene are an established mechanism of disease in familial adenomatous polyposis and is the type of variant expected to cause the disorder. In summary, based on the above information, this variant meets our laboratoryâ€šÃ„Ã´s criteria to be classified as pathogenic.

Literature cited by the submitters: PubMed 17963004 (cited by Labcorp Genetics (formerly Invitae), Labcorp); PubMed 20685668 (cited by Labcorp Genetics (formerly Invitae), Labcorp and Ambry Genetics); PubMed 19336753 (cited by Ambry Genetics).

NM_000038.6(APC):c.1657del (p.Trp553fs)

Gene: APC (APC regulator of Wnt signaling pathway; plus strand). Cytogenetic location: 5q22.2.
Variant type: Deletion.
Coding change: c.1657del on transcript NM_000038.6 (MANE Select); coding-DNA position 1657, one base deleted (T; older notation c.1657delT).
Protein change: p.Trp553fs; shifts the reading frame from tryptophan 553.
Molecular consequence: frameshift variant.
Genome position (GRCh38, 1-based): chr5:112,828,886, T deleted; the last of 2 consecutive T bases (chr5:112,828,885-112,828,886); deleting either gives the same sequence. VCF-style (leftmost placement, unchanged base first): chr5-112828884-CT-C. GRCh37 (hg19) VCF-style: chr5-112164581-CT-C.
Other names: c.1657del (NM_000038.5); c.1657del, p.Trp553fs (NM_001127510.3, NM_001354895.2); c.1603del, p.Trp535fs (NM_001127511.3); c.1711del, p.Trp571fs (NM_001354896.2); c.1687del, p.Trp563fs (NM_001354897.2); c.1582del, p.Trp528fs (NM_001354898.2); c.1573del, p.Trp525fs (NM_001354899.2); c.1534del, p.Trp512fs (NM_001354900.2); and 6 more; short protein forms W427fs, W452fs, W553fs, W393fs, W462fs, W512fs, W535fs, W563fs.
Identifiers: ClinVar variation 428155 (VCV000428155.18), dbSNP rs1114167594, ClinGen allele CA645369350.